The following is an entry in ClinVar:

NM_001377295.2(GNAT2):c.520G>A (p.Val174Met)

Gene: GNAT2 (G protein subunit alpha transducin 2; minus strand). Cytogenetic location: 1p13.3.
Variant type: single nucleotide variant.
Coding change: c.520G>A on transcript NM_001377295.2 (MANE Select); coding-DNA position 520, G replaced by A.
Protein change: p.Val174Met; replaces valine 174 with methionine.
Molecular consequence: missense variant.
Genome position (GRCh38, 1-based): chr1:109,606,378, C>T on the plus strand (G>A on the coding strand, the complement: GNAT2 is on the minus strand). VCF-style: chr1-109606378-C-T. GRCh37 (hg19) VCF-style: chr1-110149000-C-T.
Other names: c.520G>A, p.Val174Met (NM_001379232.1, NM_005272.5); short protein forms V174M.
Identifiers: ClinVar variation 957555 (VCV000957555.6), dbSNP rs1215776841, ClinGen allele CA341538825.

ClinVar aggregate classification (germline): Uncertain significance (1 of 4 stars; one submission).

Allele frequency attached by ClinVar (database versions not stated): gnomAD exomes 0.00001.
gnomAD v4.1: 16 of 1,610,882 alleles (0.00099%); highest among the groups gnomAD compares: Non-Finnish European, 0.0014%; no homozygotes.

Submission:

Labcorp Genetics (formerly Invitae), Labcorp
Classification: Uncertain significance. Last evaluated: 2022-11-07. Review status: criteria provided, single submitter. Criteria: Invitae Variant Classification Sherloc (09022015). Collection method: clinical testing. Allele origin: germline.
Comment: This variant has not been reported in the literature in individuals affected with GNAT2-related conditions. This variant is present in population databases (no rsID available, gnomAD 0.002%). This sequence change replaces valine, which is neutral and non-polar, with methionine, which is neutral and non-polar, at codon 174 of the GNAT2 protein (p.Val174Met). ClinVar contains an entry for this variant (Variation ID: 957555). In summary, the available evidence is currently insufficient to determine the role of this variant in disease. Therefore, it has been classified as a Variant of Uncertain Significance. Advanced modeling of protein sequence and biophysical properties (such as structural, functional, and spatial information, amino acid conservation, physicochemical variation, residue mobility, and thermodynamic stability) performed at Invitae indicates that this missense variant is not expected to disrupt GNAT2 protein function.